The following is an entry in ClinVar:

ClinVar aggregate classification (germline): Uncertain significance. Review status: criteria provided, multiple submitters, no conflicts (2 of 4 stars). 2 submissions from 2 submitters: Uncertain significance (2). Last evaluated 2025-02-19.

Conditions:
Epileptic encephalopathy. Identifiers: MedGen C0543888, HP:0200134.

Allele frequency attached by ClinVar (database versions not stated): gnomAD exomes below 0.00001; TOPMed below 0.00001.
gnomAD v4.1: 1 of 1,613,044 alleles (0.000062%); highest among the groups gnomAD compares: Non-Finnish European, 0.000085%; no homozygotes.

Submissions (2):

Labcorp Genetics (formerly Invitae), Labcorp
Classification: Uncertain significance for Epileptic encephalopathy. Last evaluated: 2025-02-19. Review status: criteria provided, single submitter. Criteria: Invitae Variant Classification Sherloc (09022015). Collection method: clinical testing. Allele origin: germline.
Comment: This sequence change replaces threonine, which is neutral and polar, with alanine, which is neutral and non-polar, at codon 455 of the GABBR2 protein (p.Thr455Ala). This variant is not present in population databases (gnomAD no frequency). This variant has not been reported in the literature in individuals affected with GABBR2-related conditions. ClinVar contains an entry for this variant (Variation ID: 2682407). Invitae Evidence Modeling of protein sequence and biophysical properties (such as structural, functional, and spatial information, amino acid conservation, physicochemical variation, residue mobility, and thermodynamic stability) indicates that this missense variant is not expected to disrupt GABBR2 protein function with a negative predictive value of 80%. In summary, the available evidence is currently insufficient to determine the role of this variant in disease. Therefore, it has been classified as a Variant of Uncertain Significance.

Women's Health and Genetics/Laboratory Corporation of America, LabCorp
Classification: Uncertain significance. Last evaluated: 2023-11-08. Review status: criteria provided, single submitter. Criteria: LabCorp Variant Classification Summary - May 2015. Collection method: clinical testing. Allele origin: germline.
Comment: Variant summary: GABBR2 c.1363A>G (p.Thr455Ala) results in a non-conservative amino acid change in the encoded protein sequence. Three of five in-silico tools predict a benign effect of the variant on protein function. The variant was absent in 251328 control chromosomes (gnomAD). The available data on variant occurrences in the general population are insufficient to allow any conclusion about variant significance. To our knowledge, no occurrence of c.1363A>G in individuals affected with Early Infantile Epileptic Encephalopathy and no experimental evidence demonstrating its impact on protein function have been reported. No submitters have cited clinical-significance assessments for this variant to ClinVar after 2014. Based on the evidence outlined above, the variant was classified as uncertain significance.

NM_005458.8(GABBR2):c.1363A>G (p.Thr455Ala)

Gene: GABBR2 (gamma-aminobutyric acid type B receptor subunit 2; minus strand). Cytogenetic location: 9q22.33.
Variant type: single nucleotide variant.
Coding change: c.1363A>G on transcript NM_005458.8 (MANE Select); coding-DNA position 1363, A replaced by G.
Protein change: p.Thr455Ala; replaces threonine 455 with alanine.
Molecular consequence: missense variant.
Genome position (GRCh38, 1-based): chr9:98,394,190, T>C on the plus strand (A>G on the coding strand, the complement: GABBR2 is on the minus strand). VCF-style: chr9-98394190-T-C. GRCh37 (hg19) VCF-style: chr9-101156472-T-C.
Other names: short protein forms T455A.
Identifiers: ClinVar variation 2682407 (VCV002682407.2), dbSNP rs1832245983, ClinGen allele CA374211930.